The following is an entry in ClinVar:

NM_002880.4(RAF1):c.1356G>A (p.Thr452=)

Gene: RAF1 (Raf-1 proto-oncogene, serine/threonine kinase; minus strand). Cytogenetic location: 3p25.2.
Variant type: single nucleotide variant.
Coding change: c.1356G>A on transcript NM_002880.4 (MANE Select); coding-DNA position 1356, G replaced by A.
Protein change: p.Thr452=; no amino-acid change (threonine 452 retained).
Molecular consequence: synonymous variant. On other transcripts: non-coding transcript variant (3).
Genome position (GRCh38, 1-based): chr3:12,590,812, C>T on the plus strand (G>A on the coding strand, the complement: RAF1 is on the minus strand). VCF-style: chr3-12590812-C-T. GRCh37 (hg19) VCF-style: chr3-12632311-C-T.
Other names: c.1416G>A, p.Thr472= (NM_001354689.3); c.1356G>A, p.Thr452= (NM_001354690.3); c.1113G>A, p.Thr371= (NM_001354691.3, NM_001354692.3); c.1257G>A, p.Thr419= (NM_001354693.3); c.1173G>A, p.Thr391= (NM_001354694.3); c.1014G>A, p.Thr338= (NM_001354695.3).
Identifiers: ClinVar variation 1027639 (VCV001027639.11), dbSNP rs766112769, ClinGen allele CA2259531.

ClinVar aggregate classification (germline): Likely benign. Review status: criteria provided, multiple submitters, no conflicts (2 of 4 stars). 3 submissions from 3 submitters: Likely benign (3). Last evaluated 2022-10-04.

Conditions:
Cardiovascular phenotype. Identifiers: MedGen CN230736.
RASopathy. Also called: Noonan spectrum disorder; rasopathies. Identifiers: Orphanet 536391, MedGen C5555857, MONDO:0021060.

Allele frequency attached by ClinVar (database versions not stated): gnomAD exomes below 0.00001 and 0.00001; ExAC 0.00001; gnomAD 0.00001.
gnomAD v4.1: 6 of 1,613,314 alleles (0.00037%); highest among the groups gnomAD compares: East Asian, 0.0045%; no homozygotes.

Submissions (3):

Labcorp Genetics (formerly Invitae), Labcorp
Classification: Likely benign for RASopathy. Last evaluated: 2022-10-04. Review status: criteria provided, single submitter. Criteria: Invitae Variant Classification Sherloc (09022015). Collection method: clinical testing. Allele origin: germline.

Women's Health and Genetics/Laboratory Corporation of America, LabCorp
Classification: Likely benign. Last evaluated: 2022-04-25. Review status: criteria provided, single submitter. Criteria: LabCorp Variant Classification Summary - May 2015. Collection method: clinical testing. Allele origin: germline.
Comment: Variant summary: RAF1 c.1356G>A alters a conserved nucleotide resulting in a synonymous change. 4/4 computational tools predict no significant impact on normal splicing. However, these predictions have yet to be confirmed by functional studies. The variant allele was found at a frequency of 4e-06 in 251312 control chromosomes. The available data on variant occurrences in the general population are insufficient to allow any conclusion about variant significance. To our knowledge, no occurrence of c.1356G>A in individuals affected with Noonan Syndrome and no experimental evidence demonstrating its impact on protein function have been reported. One clinical diagnostic laboratory has submitted clinical-significance assessments for this variant to ClinVar after 2014 without evidence for independent evaluation. One laboratory classified the variant as likely benign. Based on the evidence outlined above, the variant was classified as likely benign.

Ambry Genetics
Classification: Likely benign for Cardiovascular phenotype. Last evaluated: 2020-09-15. Review status: criteria provided, single submitter. Criteria: Ambry Variant Classification Scheme 2023. Collection method: clinical testing. Allele origin: germline.